The following is an entry in ClinVar:

NM_031229.4(RBCK1):c.756+154_756+171del

Gene: RBCK1 (RANBP2-type and C3HC4-type zinc finger containing 1; plus strand). Cytogenetic location: 20p13.
Variant type: Microsatellite.
Coding change: c.756+154_756+171del on transcript NM_031229.4 (MANE Select); bases 154 to 171 of the intron after coding-DNA position 756, 18 bases deleted (CTGCACCTGGCTGTGACC).
Molecular consequence: intron variant.
Genome position (GRCh38, 1-based): chr20:419,885-419,902, CTGCACCTGGCTGTGACC deleted; deleting any 18 consecutive bases within chr20:419,861-419,902 gives the same sequence; the c. name uses the placement nearest the transcript's 3' end. VCF-style (leftmost placement, unchanged base first): chr20-419860-AGTGACCCTGCACCTGGCT-A. GRCh37 (hg19) VCF-style: chr20-400504-AGTGACCCTGCACCTGGCT-A.
Other names: c.407+154_407+171del (NM_001323956.2, NM_001323958.2); c.630+154_630+171del (NM_006462.6).
Identifiers: ClinVar variation 1295462 (VCV001295462.4), dbSNP rs67470622, ClinGen allele CA310620272.

ClinVar aggregate classification (germline): Benign. Review status: criteria provided, multiple submitters, no conflicts (2 of 4 stars). 2 submissions from 2 submitters: Benign (2). Last evaluated 2024-01-24.

Submissions (2):

Unidad de Genómica Garrahan, Hospital de Pediatría Garrahan
Classification: Benign. Last evaluated: 2024-01-24. Review status: criteria provided, single submitter. Criteria: ACMG Guidelines, 2015. Collection method: clinical testing. Allele origin: germline. Affected: no. Observed: 64 variant alleles.
Comment: This variant is classified as Benign based on local population frequency. This variant was detected in 67% of patients studied by a panel of primary immunodeficiencies. Number of patients: 64. Only high quality variants are reported.

GeneDx
Classification: Benign. Last evaluated: 2021-05-14. Review status: criteria provided, single submitter. Criteria: GeneDx Variant Classification Process June 2021. Collection method: clinical testing. Allele origin: germline. Affected: yes.